The following is an entry in ClinVar:

ClinVar aggregate classification (germline): Uncertain significance (1 of 4 stars; one submission).

Conditions:
Hereditary breast ovarian cancer syndrome. Also called: Hereditary breast and ovarian cancer; Hereditary breast and ovarian cancer syndrome; Hereditary breast and ovarian cancer syndrome (HBOC); Hereditary breast and/or ovarian cancer syndrome; Breast and ovarian cancer; BRCA1- and BRCA2-Associated Hereditary Breast and Ovarian Cancer. Identifiers: Orphanet 145, MedGen C0677776, MeSH D061325, MONDO:0003582. Disease mechanism: loss of function.

Submission:

Labcorp Genetics (formerly Invitae), Labcorp
Classification: Uncertain significance for Hereditary breast ovarian cancer syndrome. Last evaluated: 2022-04-22. Review status: criteria provided, single submitter. Criteria: Invitae Variant Classification Sherloc (09022015). Collection method: clinical testing. Allele origin: germline.
Comment: This variant, c.1835_1836ins72, results in the insertion of 24 amino acid(s) of the BRCA2 protein (p.Ser611_Glu612ins24), but otherwise preserves the integrity of the reading frame. This variant is not present in population databases (gnomAD no frequency). This variant has not been reported in the literature in individuals affected with BRCA2-related conditions. Experimental studies and prediction algorithms are not available or were not evaluated, and the functional significance of this variant is currently unknown. In summary, the available evidence is currently insufficient to determine the role of this variant in disease. Therefore, it has been classified as a Variant of Uncertain Significance.

NM_000059.4(BRCA2):c.1835_1836insCAAGTTTATTTATGCTATACATGATGAAACATCTTATAAAGGAAAAAAAATACCGAAAGACCAAAAATCAGA (p.Ser611_Glu612insAspLysPheIleTyrAlaIleHisAspGluThrSerTyrLysGlyLysLysIleProLysAspGlnLysSer)

Gene: BRCA2 (BRCA2 DNA repair associated; plus strand). Cytogenetic location: 13q13.1.
Variant type: Insertion.
Coding change: c.1835_1836insCAAGTTTATTTATGCTATACATGATGAAACATCTTATAAAGGAAAAAAAATACCGAAAGACCAAAAATCAGA on transcript NM_000059.4 (MANE Select); coding-DNA positions 1835 to 1836, CAAGTTTATTTATGCTATACATGATGAAACATCTTATAAAGGAAAAAAAATACCGAAAGACCAAAAATCAGA inserted.
Protein change: p.Ser611_Glu612insAspLysPheIleTyrAlaIleHisAspGluThrSerTyrLysGlyLysLysIleProLysAspGlnLysSer.
Molecular consequence: inframe insertion. On other transcripts: inframe indel (3).
Genome position: GRCh38: chr13:32,333,313-32,333,314. GRCh37 (hg19): chr13:32,907,450-32,907,451.
Other names: c.1835_1836insCAAGTTTATTTATGCTATACATGATGAAACATCTTATAAAGGAAAAAAAATACCGAAAGACCAAAAATCAGA, p.Ser611_Glu612insAspLysPheIleTyrAlaIleHisAspGluThrSerTyrLysGlyLysLysIleProLysAspGlnLysSer (NM_001406719.1, NM_001406720.1, NM_001406721.1).
Identifiers: ClinVar variation 1918679 (VCV001918679.5), dbSNP rs2548520967, ClinGen allele CA2580087124.